The following is an entry in ClinVar:

NM_001127222.2(CACNA1A):c.6340A>G (p.Thr2114Ala)

Gene: CACNA1A (calcium voltage-gated channel subunit alpha1 A; minus strand). Cytogenetic location: 19p13.13.
Variant type: single nucleotide variant.
Coding change: c.6340A>G on transcript NM_001127222.2 (MANE Select); coding-DNA position 6340, A replaced by G.
Protein change: p.Thr2114Ala; replaces threonine 2114 with alanine.
Molecular consequence: missense variant.
Genome position (GRCh38, 1-based): chr19:13,209,498, T>C on the plus strand (A>G on the coding strand, the complement: CACNA1A is on the minus strand). VCF-style: chr19-13209498-T-C. GRCh37 (hg19) VCF-style: chr19-13320312-T-C.
Other names: c.6358A>G, p.Thr2120Ala (NM_000068.4, NM_023035.3); c.6343A>G, p.Thr2115Ala (NM_001127221.2); c.6349A>G, p.Thr2117Ala (NM_001174080.2); short protein forms T2114A, T2115A, T2120A, T2117A.
Identifiers: ClinVar variation 2004515 (VCV002004515.4), dbSNP rs2054722290, ClinGen allele CA404331198.
Genomic context (GRCh38, chr19:13,209,498, plus strand): 5'-GTCGGGCCTTGGGGCCCAGCACGGAGGCTGAACGCTTCATGGGGCTGGTGTCTGAGATGG[T>C]CTGGGGGAGGGGACAGGCCGGTGGGCTGGGGTCAGCAGCTAGCACCAAGTGGTCCCGGTC-3'
Protein context (NP_001120694.1, residues 2104-2124): RGRPRGNNLS[Thr2114Ala]ISDTSPMKRS

ClinVar aggregate classification (germline): Uncertain significance (1 of 4 stars; one submission).

Conditions:
Episodic ataxia type 2 (EA2). Also called: ATAXIA, EPISODIC, WITH NYSTAGMUS; ATAXIA, FAMILIAL PAROXYSMAL; CEREBELLAR ATAXIA, PAROXYSMAL, ACETAZOLAMIDE-RESPONSIVE; CEREBELLOPATHY, HEREDITARY PAROXYSMAL; ACETAZOLAMIDE-RESPONSIVE HEREDITARY PAROXYSMAL CEREBELLAR ATAXIA; EPISODIC ATAXIA, NYSTAGMUS-ASSOCIATED. Identifiers: Orphanet 97, MedGen C1720416, MONDO:0007163, OMIM 108500.
Developmental and epileptic encephalopathy, 42 (DEE42A). Also called: Epileptic encephalopathy, early infantile, 42; DEVELOPMENTAL AND EPILEPTIC ENCEPHALOPATHY 42A; EPILEPTIC ENCEPHALOPATHY, EARLY INFANTILE, 42A. Identifiers: MedGen C4310716, MONDO:0014917, OMIM 617106.

Submission:

Labcorp Genetics (formerly Invitae), Labcorp
Classification: Uncertain significance for Developmental and epileptic encephalopathy, 42; Episodic ataxia type 2. Last evaluated: 2022-06-10. Review status: criteria provided, single submitter. Criteria: Invitae Variant Classification Sherloc (09022015). Collection method: clinical testing. Allele origin: germline.
Comment: This variant has not been reported in the literature in individuals affected with CACNA1A-related conditions. This sequence change replaces threonine, which is neutral and polar, with alanine, which is neutral and non-polar, at codon 2115 of the CACNA1A protein (p.Thr2115Ala). This variant is not present in population databases (gnomAD no frequency). Algorithms developed to predict the effect of missense changes on protein structure and function are either unavailable or do not agree on the potential impact of this missense change (SIFT: "Tolerated"; PolyPhen-2: "Possibly Damaging"; Align-GVGD: "Class C0"). In summary, the available evidence is currently insufficient to determine the role of this variant in disease. Therefore, it has been classified as a Variant of Uncertain Significance.